The following is an entry in ClinVar:

ClinVar aggregate classification (germline): Benign. Review status: criteria provided, multiple submitters, no conflicts (2 of 4 stars). 2 submissions from 2 submitters: Benign (2). Last evaluated 2018-01-12.

Conditions:
Essential fructosuria. Also called: HEPATIC FRUCTOKINASE DEFICIENCY; KETOHEXOKINASE DEFICIENCY. Identifiers: Orphanet 2056, MedGen C0268160, MONDO:0009252, OMIM 229800.

Allele frequency attached by ClinVar (database versions not stated): gnomAD exomes 0.00442; gnomAD 0.03394 and 0.03642; 1000 Genomes Project 0.03734; TOPMed 0.03921; 1000 Genomes Project 30x 0.04232.
gnomAD v4.1: 5,800 of 294,988 alleles (2%); highest among the groups gnomAD compares: African/African-American, 12%; 334 homozygotes.

Submissions (2):

Illumina Laboratory Services, Illumina
Classification: Benign for Essential fructosuria. Last evaluated: 2018-01-12. Review status: criteria provided, single submitter. Criteria: ICSL Variant Classification Criteria 13 December 2019. Collection method: clinical testing. Allele origin: germline.
Comment: This variant was observed in the ICSL laboratory as part of a predisposition screen in an ostensibly healthy population. It had not been previously curated by ICSL or reported in the Human Gene Mutation Database (HGMD: prior to June 1st, 2018), and was therefore a candidate for classification through an automated scoring system. Utilizing variant allele frequency, disease prevalence and penetrance estimates, and inheritance mode, an automated score was calculated to assess if this variant is too frequent to cause the disease. Based on the score and internal cut-off values, a variant classified as benign is not then subjected to further curation. The score for this variant resulted in a classification of benign for this disease.

Breakthrough Genomics
Classification: Benign. Review status: criteria provided, single submitter. Criteria: ACMG Guidelines, 2015. Collection method: not provided. Allele origin: germline. Inheritance: Autosomal recessive inheritance. Affected: yes.

NM_006488.3(KHK):c.-324C>T

Gene: KHK (ketohexokinase; plus strand). Cytogenetic location: 2p23.3.
Variant type: single nucleotide variant.
Coding change: c.-324C>T on transcript NM_006488.3 (MANE Select); 324 bases upstream of the start codon, C replaced by T.
Molecular consequence: 5 prime UTR variant.
Genome position (GRCh38, 1-based): chr2:27,086,936, C>T. VCF-style: chr2-27086936-C-T. GRCh37 (hg19) VCF-style: chr2-27309804-C-T.
Other names: c.-324C>T (NM_000221.3).
Identifiers: ClinVar variation 335477 (VCV000335477.6), dbSNP rs114973335, ClinGen allele CA10613444.